The following is an entry in ClinVar:

ClinVar aggregate classification (germline): Conflicting classifications of pathogenicity. Review status: criteria provided, conflicting classifications (1 of 4 stars). 4 submissions from 4 submitters: Uncertain significance (2); Likely benign (1). 1 of the submissions does not count toward it. Last evaluated 2025-02-05.

Conditions:
Alstrom syndrome (ALMS). Identifiers: Orphanet 64, MedGen C0268425, MONDO:0008763, OMIM 203800.
Cardiovascular phenotype. Identifiers: MedGen CN230736.

Allele frequency attached by ClinVar (database versions not stated): gnomAD exomes 0.00001 and 0.00002; TOPMed 0.00001; ExAC 0.00002.
gnomAD v4.1: 6 of 1,614,212 alleles (0.00037%); highest among the groups gnomAD compares: South Asian, 0.0055%; no homozygotes.

Submissions (4):

Ambry Genetics
Classification: Likely benign for Cardiovascular phenotype. Last evaluated: 2025-02-05. Review status: criteria provided, single submitter. Criteria: Ambry Variant Classification Scheme 2023. Collection method: clinical testing. Allele origin: germline.

Labcorp Genetics (formerly Invitae), Labcorp
Classification: Uncertain significance for Alstrom syndrome. Last evaluated: 2022-06-22. Review status: criteria provided, single submitter. Criteria: Invitae Variant Classification Sherloc (09022015). Collection method: clinical testing. Allele origin: germline.
Comment: This sequence change replaces asparagine, which is neutral and polar, with serine, which is neutral and polar, at codon 3010 of the ALMS1 protein (p.Asn3010Ser). This variant is present in population databases (rs757198941, gnomAD 0.02%). This variant has not been reported in the literature in individuals affected with ALMS1-related conditions. ClinVar contains an entry for this variant (Variation ID: 1207538). Algorithms developed to predict the effect of missense changes on protein structure and function output the following: SIFT: "Not Available"; PolyPhen-2: "Not Available"; Align-GVGD: "Not Available". The serine amino acid residue is found in multiple mammalian species, which suggests that this missense change does not adversely affect protein function. Algorithms developed to predict the effect of sequence changes on RNA splicing suggest that this variant may create or strengthen a splice site. In summary, the available evidence is currently insufficient to determine the role of this variant in disease. Therefore, it has been classified as a Variant of Uncertain Significance.

GeneDx
Classification: Uncertain significance. Last evaluated: 2019-12-18. Review status: criteria provided, single submitter. Criteria: GeneDx Variant Classification Process June 2021. Collection method: clinical testing. Allele origin: germline. Affected: yes.
Comment: In silico analysis, which includes protein predictors and evolutionary conservation, supports that this variant does not alter protein structure/function; Has not been previously published as pathogenic or benign to our knowledge

Natera, Inc.
Classification: Uncertain significance for Alstrom syndrome. Last evaluated: 2020-06-09. Review status: no assertion criteria provided. Collection method: clinical testing. Allele origin: germline. Not counted in ClinVar's aggregate classification.

NM_001378454.1(ALMS1):c.9026A>G (p.Asn3009Ser)

Gene: ALMS1 (ALMS1 centrosome and basal body associated protein; plus strand). Cytogenetic location: 2p13.1.
Variant type: single nucleotide variant.
Coding change: c.9026A>G on transcript NM_001378454.1 (MANE Select); coding-DNA position 9026, A replaced by G.
Protein change: p.Asn3009Ser; replaces asparagine 3009 with serine.
Molecular consequence: missense variant.
Genome position (GRCh38, 1-based): chr2:73,490,985, A>G. VCF-style: chr2-73490985-A-G. GRCh37 (hg19) VCF-style: chr2-73718112-A-G.
Other names: c.9029A>G, p.Asn3010Ser (NM_015120.4); short protein forms N3009S, N3010S.
Identifiers: ClinVar variation 1207538 (VCV001207538.7), dbSNP rs757198941, ClinGen allele CA1714586.